The following is an entry in ClinVar:

ClinVar aggregate classification (germline): Uncertain significance (1 of 4 stars; one submission).

Submission:

Labcorp Genetics (formerly Invitae), Labcorp
Classification: Uncertain significance. Last evaluated: 2022-04-21. Review status: criteria provided, single submitter. Criteria: Invitae Variant Classification Sherloc (09022015). Collection method: clinical testing. Allele origin: germline.
Comment: In summary, the available evidence is currently insufficient to determine the role of this variant in disease. Therefore, it has been classified as a Variant of Uncertain Significance. Algorithms developed to predict the effect of missense changes on protein structure and function output the following: SIFT: "Tolerated"; PolyPhen-2: "Benign"; Align-GVGD: "Class C0". The isoleucine amino acid residue is found in multiple mammalian species, which suggests that this missense change does not adversely affect protein function. This variant has not been reported in the literature in individuals affected with C2CD3-related conditions. This variant is not present in population databases (gnomAD no frequency). This sequence change replaces leucine, which is neutral and non-polar, with isoleucine, which is neutral and non-polar, at codon 134 of the C2CD3 protein (p.Leu134Ile).

NM_001286577.2(C2CD3):c.400C>A (p.Leu134Ile)

Gene: C2CD3 (C2 domain containing 3 centriole elongation regulator; minus strand). Cytogenetic location: 11q13.4.
Variant type: single nucleotide variant.
Coding change: c.400C>A on transcript NM_001286577.2 (MANE Select); coding-DNA position 400, C replaced by A.
Protein change: p.Leu134Ile; replaces leucine 134 with isoleucine.
Molecular consequence: missense variant.
Genome position (GRCh38, 1-based): chr11:74,161,482, G>T on the plus strand (C>A on the coding strand, the complement: C2CD3 is on the minus strand). VCF-style: chr11-74161482-G-T. GRCh37 (hg19) VCF-style: chr11-73872527-G-T.
Other names: c.400C>A, p.Leu134Ile (NM_015531.6); short protein forms L134I.
Identifiers: ClinVar variation 2026453 (VCV002026453.4), dbSNP rs1304816416, ClinGen allele CA381823057.
Genomic context (GRCh38, chr11:74,161,482, plus strand): 5'-ACGTTGATGAAACAATGGTAAAAAATCCATTGATTTGATGGGTTGGAGAAAGTTGAGCTA[G>T]TCCATTGATCTGAACTCTACCAATTGGAAGACCATCAAGTTTGGTGATTACTTCCAGCAC-3'
Protein context (NP_001273506.1, residues 124-144): LPIGRVQING[Leu134Ile]AQLSPTHQIN